The following is an entry in ClinVar:

NM_000051.4(ATM):c.8393C>T (p.Ala2798Val)

Genes: C11orf65 (chromosome 11 open reading frame 65; minus strand), ATM (ATM serine/threonine kinase; plus strand). Cytogenetic location: 11q22.3.
Variant type: single nucleotide variant.
Coding change: c.8393C>T on transcript NM_000051.4 (MANE Select); coding-DNA position 8393, C replaced by T.
Protein change: p.Ala2798Val; replaces alanine 2798 with valine.
Molecular consequence: missense variant. On other transcripts: intron variant (2).
Genome position (GRCh38, 1-based): chr11:108,343,346, C>T. VCF-style: chr11-108343346-C-T. GRCh37 (hg19) VCF-style: chr11-108214073-C-T.
Other names: c.8393C>T, p.Ala2798Val (NM_001351834.2); c.641-34275G>A (NM_001330368.2); c.695-8054G>A (NM_001351110.2); short protein forms A2798V.
Identifiers: ClinVar variation 489598 (VCV000489598.8), dbSNP rs772992098, ClinGen allele CA382516649.
Genomic context (GRCh38, chr11:108,343,346, plus strand): 5'-AATTTCTTGTTAACAATGAAGATGGTGCTCATAAAAGATACAGGCCAAATGATTTCAGTG[C>T]CTTTCAGTGCCAAAAGAAAATGATGGTGAGTGACACCCAAAATTAAAGGTTATTGTAAGA-3'
Protein context (NP_000042.3, residues 2788-2808): HKRYRPNDFS[Ala2798Val]FQCQKKMMEV

ClinVar aggregate classification (germline): Uncertain significance. Review status: criteria provided, multiple submitters, no conflicts (2 of 4 stars). 2 submissions from 2 submitters: Uncertain significance (2). Last evaluated 2024-09-15.

Conditions:
Hereditary cancer-predisposing syndrome. Also called: Neoplastic Syndromes, Hereditary; Hereditary Cancer Syndrome; Tumor predisposition; Hereditary neoplastic syndrome. Identifiers: Orphanet 140162, MedGen C0027672, MeSH D009386, MONDO:0015356.
Ataxia-telangiectasia syndrome (AT). Also called: LOUIS-BAR SYNDROME; Cerebello-oculocutaneous telangiectasia; Immunodeficiency with ataxia telangiectasia; Ataxia-telangiectasia, complementation group D; AT, COMPLEMENTATION GROUP C; Ataxia-telangiectasia, complementation group E. Identifiers: Orphanet 100, MedGen C0004135, MONDO:0008840, OMIM 208900.

Submissions (2):

Labcorp Genetics (formerly Invitae), Labcorp
Classification: Uncertain significance for Ataxia-telangiectasia syndrome. Last evaluated: 2024-09-15. Review status: criteria provided, single submitter. Criteria: Invitae Variant Classification Sherloc (09022015). Collection method: clinical testing. Allele origin: germline.
Comment: This sequence change replaces alanine, which is neutral and non-polar, with valine, which is neutral and non-polar, at codon 2798 of the ATM protein (p.Ala2798Val). This variant is not present in population databases (gnomAD no frequency). This variant has not been reported in the literature in individuals affected with ATM-related conditions. ClinVar contains an entry for this variant (Variation ID: 489598). An algorithm developed to predict the effect of missense changes on protein structure and function (PolyPhen-2) suggests that this variant is likely to be disruptive. In summary, the available evidence is currently insufficient to determine the role of this variant in disease. Therefore, it has been classified as a Variant of Uncertain Significance.

Color Diagnostics, LLC DBA Color Health
Classification: Uncertain significance for Hereditary cancer-predisposing syndrome. Last evaluated: 2019-05-08. Review status: criteria provided, single submitter. Criteria: ACMG Guidelines, 2015. Collection method: clinical testing. Allele origin: germline.